The following is an entry in ClinVar:

NM_000179.3(MSH6):c.3753A>G (p.Ser1251=)

Gene: MSH6 (mutS homolog 6; plus strand). Cytogenetic location: 2p16.3.
Variant type: single nucleotide variant.
Coding change: c.3753A>G on transcript NM_000179.3 (MANE Select); coding-DNA position 3753, A replaced by G.
Protein change: p.Ser1251=; no amino-acid change (serine 1251 retained).
Molecular consequence: synonymous variant.
Genome position (GRCh38, 1-based): chr2:47,806,310, A>G. VCF-style: chr2-47806310-A-G. GRCh37 (hg19) VCF-style: chr2-48033449-A-G.
Other names: c.3363A>G, p.Ser1121= (NM_001281492.2); c.2847A>G, p.Ser949= (NM_001281493.2, NM_001281494.2).
Identifiers: ClinVar variation 993115 (VCV000993115.14), dbSNP rs1350704669, ClinGen allele CA346761084.

ClinVar aggregate classification (germline): Benign/Likely benign. Review status: criteria provided, multiple submitters, no conflicts (2 of 4 stars). 4 submissions from 4 submitters: Benign (1); Likely benign (3). Last evaluated 2025-02-06.

Conditions:
Hereditary nonpolyposis colorectal neoplasms. Identifiers: MedGen C0009405, MeSH D003123.
Lynch syndrome 5 (LYNCH5). Also called: Colorectal cancer, hereditary nonpolyposis, type 5; Hereditary non-polyposis colorectal cancer, type 5. Identifiers: Orphanet 144, MedGen C1833477, MONDO:0013710, OMIM 614350. Disease mechanism: loss of function.
Hereditary cancer-predisposing syndrome. Also called: Neoplastic Syndromes, Hereditary; Hereditary Cancer Syndrome; Tumor predisposition; Hereditary neoplastic syndrome. Identifiers: Orphanet 140162, MedGen C0027672, MeSH D009386, MONDO:0015356.

Allele frequency attached by ClinVar (database versions not stated): gnomAD exomes below 0.00001; gnomAD 0.00001.

Submissions (4):

Labcorp Genetics (formerly Invitae), Labcorp
Classification: Likely benign for Hereditary nonpolyposis colorectal neoplasms. Last evaluated: 2025-02-06. Review status: criteria provided, single submitter. Criteria: Invitae Variant Classification Sherloc (09022015). Collection method: clinical testing. Allele origin: germline.

Myriad Genetics, Inc.
Classification: Benign for Lynch syndrome 5. Last evaluated: 2025-01-08. Review status: criteria provided, single submitter. Criteria: Myriad Autosomal Dominant, Autosomal Recessive and X-Linked Classification Criteria (2023). Collection method: clinical testing. Allele origin: unknown.
Comment: This variant is considered benign. This variant is a silent/synonymous amino acid change and it is not expected to impact splicing.

Ambry Genetics
Classification: Likely benign for Hereditary cancer-predisposing syndrome. Last evaluated: 2022-10-09. Review status: criteria provided, single submitter. Criteria: Ambry Variant Classification Scheme 2023. Collection method: clinical testing. Allele origin: germline.

Quest Diagnostics Nichols Institute San Juan Capistrano
Classification: Likely benign. Last evaluated: 2020-03-05. Review status: criteria provided, single submitter. Criteria: Quest Diagnostics criteria. Collection method: clinical testing. Allele origin: unknown.